The following is an entry in ClinVar:

ClinVar aggregate classification (germline): Uncertain significance. Review status: reviewed by expert panel (3 of 4 stars). 4 submissions from 4 submitters: Uncertain significance (1). 3 of the submissions do not count toward it. Last evaluated 2025-08-01.

Conditions:
Congenital multicore myopathy with external ophthalmoplegia (CMYO1B). Also called: MULTIMINICORE DISEASE WITH EXTERNAL OPHTHALMOPLEGIA; MULTICORE MYOPATHY; Congenital myopathy 1B, autosomal recessive; Minicore myopathy; Minicore myopathy with external ophthalmoplegia. Identifiers: Orphanet 598, Orphanet 98905, MedGen C1850674, MONDO:0009712, OMIM 255320, HP:0003789.
Central core myopathy (CMYO1A). Also called: CONGENITAL MYOPATHY 1A, AUTOSOMAL DOMINANT, WITH SUSCEPTIBILITY TO MALIGNANT HYPERTHERMIA; Central core disease; Myopathy, central fibrillar. Identifiers: Orphanet 597, MedGen C5830701, MONDO:0007294, OMIM 117000.
King Denborough syndrome (KDS). Identifiers: MedGen C1840365, MONDO:0020485, OMIM 619542.
RYR1-related disorder. Also called: RYR1-related condition; RYR1-related disorders. Identifiers: MedGen CN239331.
Malignant hyperthermia of anesthesia. Also called: Anesthesic-triggered malignant hyperthermia. Identifiers: Orphanet 423, MedGen C0024591, MONDO:0018493, HP:0034733.

Submissions (4):

ClinGen Malignant Hyperthermia Susceptibility Variant Curation Expert Panel, ClinGen
Classification: Uncertain significance for Malignant hyperthermia of anesthesia. Last evaluated: 2025-08-01. Review status: reviewed by expert panel. Criteria: RYR1-MHS Interpretation Guidelines V2. Collection method: curation. Allele origin: germline. Inheritance: Autosomal dominant inheritance.
Comment: This pathogenicity assessment is relevant only for malignant hyperthermia susceptibility (MHS) inherited in an autosomal dominant pattern. Variants in RYR1 can also cause other myopathies inherited in an autosomal dominant pattern or in an autosomal recessive pattern. Some of these disorders may predispose individuals to malignant hyperthermia. RYR1 variants may also contribute to a malignant hyperthermia reaction in combination with other genetic and non-genetic factors and the clinician needs to consider such factors in making management decisions. This sequence variant predicts a substitution of leucine with proline at codon 487 of the RYR1 protein, p.(Leu487Pro). This variant was not present in a large population database (gnomAD) at the time this variant was interpreted. This variant has been reported in an individual with a personal or family history of an MH episode and a positive in vitro contracture test (IVCT) or caffeine halothane contracture test (CHCT) result (if the proband was unavailable for testing, a positive diagnostic test result in a mutation-positive relative was counted), PS4_Supporting (PMID:23558838). No functional studies were identified for this variant. This variant resides in a region of RYR1 considered to be a hotspot for pathogenic variants that contribute to MHS, PM1 (PMID: 21118704). A REVEL score >0.85 (0.962) supports a pathogenic status for this variant, PP3_Moderate. This variant has been classified as a Variant of Unknown Significance. Criteria implemented: PS4_Supporting, PM1, PP3_Moderate.

GeneDx
Classification: Likely pathogenic. Last evaluated: 2026-02-05. Review status: criteria provided, single submitter. Criteria: GeneDx Variant Classification Process June 2021. Collection method: clinical testing. Allele origin: germline. Not counted in ClinVar's aggregate classification.
Comment: Not observed at significant frequency in large population cohorts (gnomAD); In silico analysis supports that this missense variant has a deleterious effect on protein structure/function; This variant is associated with the following publications: (PMID: 33767344, 23558838)

Labcorp Genetics (formerly Invitae), Labcorp
Classification: Likely pathogenic for RYR1-related disorder. Last evaluated: 2024-02-02. Review status: criteria provided, single submitter. Criteria: Invitae Variant Classification Sherloc (09022015). Collection method: clinical testing. Allele origin: germline. Not counted in ClinVar's aggregate classification.
Comment: This sequence change replaces leucine, which is neutral and non-polar, with proline, which is neutral and non-polar, at codon 487 of the RYR1 protein (p.Leu487Pro). This variant is not present in population databases (gnomAD no frequency). This missense change has been observed in individuals with a personal or family history of malignant hyperthermia (PMID: 23558838; Invitae). ClinVar contains an entry for this variant (Variation ID: 567662). Advanced modeling of protein sequence and biophysical properties (such as structural, functional, and spatial information, amino acid conservation, physicochemical variation, residue mobility, and thermodynamic stability) performed at Invitae indicates that this missense variant is expected to disrupt RYR1 protein function with a positive predictive value of 95%. In summary, the currently available evidence indicates that the variant is pathogenic, but additional data are needed to prove that conclusively. Therefore, this variant has been classified as Likely Pathogenic.

New York Genome Center
Classification: Uncertain significance for Central core myopathy; Congenital multicore myopathy with external ophthalmoplegia; King Denborough syndrome. Last evaluated: 2021-06-30. Review status: criteria provided, single submitter. Criteria: NYGC Assertion Criteria 2020. Collection method: clinical testing. Allele origin: germline. Observed: 1 heterozygote. Study: CSER-NYCKidSeq. Not counted in ClinVar's aggregate classification.

Literature cited by the submitters: PubMed 23558838 (cited by Labcorp Genetics (formerly Invitae), Labcorp).

NM_000540.3(RYR1):c.1460T>C (p.Leu487Pro)

Genes: RYR1 (ryanodine receptor 1; plus strand), LOC129391106 (MPRA-validated peak3472 silencer; plus strand). Cytogenetic location: 19q13.2.
Variant type: single nucleotide variant.
Coding change: c.1460T>C on transcript NM_000540.3 (MANE Select); coding-DNA position 1460, T replaced by C.
Protein change: p.Leu487Pro; replaces leucine 487 with proline.
Molecular consequence: missense variant.
Genome position (GRCh38, 1-based): chr19:38,455,254, T>C. VCF-style: chr19-38455254-T-C. GRCh37 (hg19) VCF-style: chr19-38945894-T-C.
Other names: c.1460T>C (NM_000540.2); c.1460T>C, p.Leu487Pro (NM_001042723.2); short protein forms L487P.
Identifiers: ClinVar variation 567662 (VCV000567662.13), dbSNP rs1008860336, ClinGen allele CA405688435.
Genomic context (GRCh38, chr19:38,455,254, plus strand): 5'-TGGGTCTCCTATTGTGATGCCTCTTATTTTCCTCATCCTAGGGGATGCTCTCCATGGTCC[T>C]GAATTGCATAGACCGCCTAAATGTCTACACCACTGCTGCCCACTTTGCTGAGTTTGCAGG-3'
Protein context (NP_000531.2, residues 477-497): FQEEGMLSMV[Leu487Pro]NCIDRLNVYT